The following is an entry in ClinVar:

ClinVar aggregate classification (germline): Benign/Likely benign. Review status: criteria provided, multiple submitters, no conflicts (2 of 4 stars). 3 submissions from 3 submitters: Benign (1); Likely benign (2). Last evaluated 2026-07-30.

Conditions:
Hereditary pheochromocytoma and paraganglioma. Also called: Hereditary Paraganglioma-Pheochromocytoma Syndromes; Hereditary paragangliomas and pheochromocytomas; Hereditary pheochromocytoma-paraganglioma. Identifiers: Orphanet 29072, MedGen C4274332, MONDO:0017366.
Hereditary cancer-predisposing syndrome. Also called: Neoplastic Syndromes, Hereditary; Tumor predisposition; Hereditary neoplastic syndrome; Hereditary Cancer Syndrome. Identifiers: Orphanet 140162, MedGen C0027672, MeSH D009386, MONDO:0015356.

Submissions (3):

Myriad Genetics, Inc.
Classification: Benign for Hereditary pheochromocytoma and paraganglioma. Last evaluated: 2026-07-30. Review status: criteria provided, single submitter. Criteria: Myriad Autosomal Dominant, Autosomal Recessive and X-Linked Classification Criteria (2023). Collection method: clinical testing. Allele origin: unknown.
Comment: This variant is considered benign. This variant is a silent/synonymous amino acid change and it is not expected to impact splicing.

Ambry Genetics
Classification: Likely benign for Hereditary cancer-predisposing syndrome. Last evaluated: 2025-04-06. Review status: criteria provided, single submitter. Criteria: Ambry Variant Classification Scheme 2023. Collection method: clinical testing. Allele origin: germline.

Blueprint Genetics
Classification: Likely benign. Last evaluated: 2023-04-18. Review status: criteria provided, single submitter. Criteria: ACMG Guidelines, 2015. Collection method: clinical testing. Allele origin: germline.

NM_017849.4(TMEM127):c.366T>C (p.Ala122=)

Gene: TMEM127 (transmembrane protein 127; minus strand). Cytogenetic location: 2q11.2.
Variant type: single nucleotide variant.
Coding change: c.366T>C on transcript NM_017849.4 (MANE Select); coding-DNA position 366, T replaced by C.
Protein change: p.Ala122=; no amino-acid change (alanine 122 retained).
Molecular consequence: synonymous variant.
Genome position (GRCh38, 1-based): chr2:96,254,876, A>G on the plus strand (T>C on the coding strand, the complement: TMEM127 is on the minus strand). VCF-style: chr2-96254876-A-G. GRCh37 (hg19) VCF-style: chr2-96920614-A-G.
Other names: c.366T>C, p.Ala122= (NM_001193304.3); c.114T>C, p.Ala38= (NM_001407282.1, NM_001407283.1).
Identifiers: ClinVar variation 3969903 (VCV003969903.3).
Genomic context (GRCh38, chr2:96,254,876, plus strand): 5'-GCAGGCTCACGGCTTACCCGTTAGGATATGGGCGAAGGCATAGCGACGAGTGATCTTCAG[A>G]GCAGGATGCTTCGGCCCAAAGACATCCAGAAGGAAAGCGGAGAGACTACACAGGATGCCC-3'
Protein context (NP_060319.1, residues 112-132): LLDVFGPKHP[Ala122=]LKITRRYAFA